The following is an entry in ClinVar:

ClinVar aggregate classification (germline): Pathogenic. Review status: criteria provided, multiple submitters, no conflicts (2 of 4 stars). 3 submissions from 3 submitters: Pathogenic (2). 1 of the submissions does not count toward it. Last evaluated 2025-10-05.

Conditions:
Ectodermal dysplasia 14, hair/tooth type with or without hypohidrosis. Identifiers: Orphanet 685067, MedGen C4748560, MONDO:0032584, OMIM 618180.

Allele frequency attached by ClinVar (database versions not stated): ExAC 0.00001; gnomAD 0.00001; TOPMed 0.00003.
gnomAD v4.1: 39 of 1,614,090 alleles (0.0024%); highest among the groups gnomAD compares: Non-Finnish European, 0.0031%; no homozygotes.

Submissions (3):

Labcorp Genetics (formerly Invitae), Labcorp
Classification: Pathogenic. Last evaluated: 2025-10-05. Review status: criteria provided, single submitter. Criteria: Invitae Variant Classification Sherloc (09022015). Collection method: clinical testing. Allele origin: germline.
Comment: This sequence change creates a premature translational stop signal (p.Trp427*) in the TSPEAR gene. It is expected to result in an absent or disrupted protein product. Loss-of-function variants in TSPEAR are known to be pathogenic (PMID: 34042254). This variant is present in population databases (rs782552484, gnomAD 0.003%). This premature translational stop signal has been observed in individual(s) with clinical features of TSPEAR-related conditions (PMID: 34556655). ClinVar contains an entry for this variant (Variation ID: 984377). For these reasons, this variant has been classified as Pathogenic.

GeneDx
Classification: Pathogenic. Last evaluated: 2022-01-31. Review status: criteria provided, single submitter. Criteria: GeneDx Variant Classification Process June 2021. Collection method: clinical testing. Allele origin: germline. Affected: yes.
Comment: Nonsense variant predicted to result in protein truncation or nonsense mediated decay in a gene for which loss-of-function is a known mechanism of disease; Not observed at a significant frequency in large population cohorts (gnomAD); This variant is associated with the following publications: (PMID: 34556655)

Shieh Lab, University of California, San Francisco
Classification: Pathogenic for ECTODERMAL DYSPLASIA 14, HAIR/TOOTH TYPE WITH OR WITHOUT HYPOHIDROSIS. Last evaluated: 2020-10-19. Review status: no assertion criteria provided. Collection method: research. Allele origin: germline. Affected: yes. Not counted in ClinVar's aggregate classification.

Literature cited by the submitters: PubMed 34042254 (cited by Labcorp Genetics (formerly Invitae), Labcorp); PubMed 34556655 (cited by Labcorp Genetics (formerly Invitae), Labcorp).

NM_144991.3(TSPEAR):c.1281G>A (p.Trp427Ter)

Gene: TSPEAR (thrombospondin type laminin G domain and EAR repeats; minus strand). Cytogenetic location: 21q22.3.
Variant type: single nucleotide variant.
Coding change: c.1281G>A on transcript NM_144991.3 (MANE Select); coding-DNA position 1281, G replaced by A.
Protein change: p.Trp427Ter; replaces tryptophan 427 with a stop codon.
Molecular consequence: nonsense.
Genome position (GRCh38, 1-based): chr21:44,525,708, C>T on the plus strand (G>A on the coding strand, the complement: TSPEAR is on the minus strand). VCF-style: chr21-44525708-C-T. GRCh37 (hg19) VCF-style: chr21-45945591-C-T.
Other names: c.1281G>A (NM_144991.2); c.1077G>A, p.Trp359Ter (NM_001272037.2); short protein forms W359*, W427*.
Identifiers: ClinVar variation 984377 (VCV000984377.4), dbSNP rs782552484, ClinGen allele CA10056651.